The following is an entry in ClinVar:

NM_000179.3(MSH6):c.232A>T (p.Arg78Ter)

Gene: MSH6 (mutS homolog 6; plus strand). Cytogenetic location: 2p16.3.
Variant type: single nucleotide variant.
Coding change: c.232A>T on transcript NM_000179.3 (MANE Select); coding-DNA position 232, A replaced by T.
Protein change: p.Arg78Ter; replaces arginine 78 with a stop codon.
Molecular consequence: nonsense. On other transcripts: 5 prime UTR variant (7), synonymous variant (1), non-coding transcript variant (5), intron variant (5).
Genome position (GRCh38, 1-based): chr2:47,783,465, A>T. VCF-style: chr2-47783465-A-T. GRCh37 (hg19) VCF-style: chr2-48010604-A-T.
Other names: c.232A>T, p.Arg78Ter (NM_001281492.2, NM_001406795.1, NM_001406796.1 and 9 more transcripts); c.-505A>T (NM_001281493.2, NM_001406811.1); c.-97A>T (NM_001406799.1); c.177A>T, p.Gly59= (NM_001406804.1); c.-697A>T (NM_001406807.1); c.-352A>T (NM_001406812.1); c.-763A>T (NM_001406814.1); c.-308A>T (NM_001406816.1); and 3 more; short protein forms R78*.
Identifiers: ClinVar variation 4716857 (VCV004716857.1).

ClinVar aggregate classification (germline): Pathogenic (1 of 4 stars; one submission).

Conditions:
Hereditary nonpolyposis colorectal neoplasms. Identifiers: MedGen C0009405, MeSH D003123.

Submission:

Labcorp Genetics (formerly Invitae), Labcorp
Classification: Pathogenic for Hereditary nonpolyposis colorectal neoplasms. Last evaluated: 2025-04-08. Review status: criteria provided, single submitter. Criteria: Invitae Variant Classification Sherloc (09022015). Collection method: clinical testing. Allele origin: germline.
Comment: This sequence change creates a premature translational stop signal (p.Arg78*) in the MSH6 gene. It is expected to result in an absent or disrupted protein product. Loss-of-function variants in MSH6 are known to be pathogenic (PMID: 18269114, 24362816). This variant is not present in population databases (gnomAD no frequency). This variant has not been reported in the literature in individuals affected with MSH6-related conditions. For these reasons, this variant has been classified as Pathogenic.

Literature cited by the submitters: PubMed 18269114; PubMed 24362816.